The following is an entry in ClinVar:

ClinVar aggregate classification (germline): Uncertain significance (1 of 4 stars; one submission).

Submission:

Greenwood Genetic Center Diagnostic Laboratories, Greenwood Genetic Center
Classification: Uncertain significance. Last evaluated: 2023-07-05. Review status: criteria provided, single submitter. Criteria: ACMG Guidelines, 2015. Collection method: clinical testing. Allele origin: germline. Affected: yes.
Comment: Gene of Uncertain Significance

NM_021962.5(ABR):c.2175C>G (p.Phe725Leu)

Gene: ABR (ABR activator of RhoGEF and GTPase; minus strand). Cytogenetic location: 17p13.3.
Variant type: single nucleotide variant.
Coding change: c.2175C>G on transcript NM_021962.5 (MANE Select); coding-DNA position 2175, C replaced by G.
Protein change: p.Phe725Leu; replaces phenylalanine 725 with leucine.
Molecular consequence: missense variant.
Genome position (GRCh38, 1-based): chr17:1,010,790, G>C on the plus strand (C>G on the coding strand, the complement: ABR is on the minus strand). VCF-style: chr17-1010790-G-C. GRCh37 (hg19) VCF-style: chr17-914030-G-C.
Other names: c.2064C>G, p.Phe688Leu (NM_001092.5); c.2037C>G, p.Phe679Leu (NM_001159746.3, NM_001322840.2); c.528C>G, p.Phe176Leu (NM_001256847.3); c.1521C>G, p.Phe507Leu (NM_001282149.2); c.2952C>G, p.Phe984Leu (NM_001322841.2); short protein forms F176L, F507L, F679L, F688L, F725L, F984L.
Identifiers: ClinVar variation 2626993 (VCV002626993.1), dbSNP rs370232881, ClinGen allele CA397516886.
Genomic context (GRCh38, chr17:1,010,790, plus strand): 5'-GATGCCCTCCATGAAGGCTGGGTAGAGTCGGTCCGTGAGGAGCGGCTCGGGCAGTTCCCG[G>C]AAGTACAGCTTGAGCGTCCCGGCGATGGCGTTGATGTCCATGTCACTCAGCATCAGCAGG-3'
Protein context (NP_068781.2, residues 715-735): NAIAGTLKLY[Phe725Leu]RELPEPLLTD